The following is an entry in ClinVar:

NM_001792.5(CDH2):c.2410G>A (p.Val804Met)

Genes: CDH2 (cadherin 2; minus strand), CDH2-AS1 (CDH2 antisense RNA 1; plus strand). Cytogenetic location: 18q12.1.
Variant type: single nucleotide variant.
Coding change: c.2410G>A on transcript NM_001792.5 (MANE Select); coding-DNA position 2410, G replaced by A.
Protein change: p.Val804Met; replaces valine 804 with methionine.
Molecular consequence: missense variant.
Genome position (GRCh38, 1-based): chr18:27,963,461, C>T on the plus strand (G>A on the coding strand, the complement: CDH2 is on the minus strand). VCF-style: chr18-27963461-C-T. GRCh37 (hg19) VCF-style: chr18-25543425-C-T.
Other names: c.2317G>A, p.Val773Met (NM_001308176.2); short protein forms V773M, V804M.
Identifiers: ClinVar variation 3662365 (VCV003662365.2).

ClinVar aggregate classification (germline): Uncertain significance (1 of 4 stars; one submission).

gnomAD v4.1: 1 of 1,614,072 alleles (0.000062%); highest among the groups gnomAD compares: Non-Finnish European, 0.000085%; no homozygotes.

Submission:

Labcorp Genetics (formerly Invitae), Labcorp
Classification: Uncertain significance. Last evaluated: 2025-08-08. Review status: criteria provided, single submitter. Criteria: Invitae Variant Classification Sherloc (09022015). Collection method: clinical testing. Allele origin: germline.
Comment: This sequence change replaces valine, which is neutral and non-polar, with methionine, which is neutral and non-polar, at codon 804 of the CDH2 protein (p.Val804Met). This variant is not present in population databases (gnomAD no frequency). This variant has not been reported in the literature in individuals affected with CDH2-related conditions. ClinVar contains an entry for this variant (Variation ID: 3662365). An algorithm developed to predict the effect of missense changes on protein structure and function (PolyPhen-2) suggests that this variant is likely to be disruptive. In summary, the available evidence is currently insufficient to determine the role of this variant in disease. Therefore, it has been classified as a Variant of Uncertain Significance.